The following is an entry in ClinVar:

ClinVar aggregate classification (germline): Uncertain significance (1 of 4 stars; one submission).

Allele frequency attached by ClinVar (database versions not stated): gnomAD exomes below 0.00001; ExAC 0.00001.

Submission:

Women's Health and Genetics/Laboratory Corporation of America, LabCorp
Classification: Uncertain significance. Last evaluated: 2023-05-25. Review status: criteria provided, single submitter. Criteria: LabCorp Variant Classification Summary - May 2015. Collection method: clinical testing. Allele origin: germline.
Comment: Variant summary: KCNA5 c.601C>T (p.Arg201Cys) results in a non-conservative amino acid change located in the BTB/POZ domain (IPR000210) of the encoded protein sequence. Three of five in-silico tools predict a damaging effect of the variant on protein function. The variant allele was found at a frequency of 4e-06 in 251422 control chromosomes (gnomAD). The available data on variant occurrences in the general population are insufficient to allow any conclusion about variant significance. To our knowledge, no occurrence of c.601C>T in individuals affected with Atrial Fibrillation and no experimental evidence demonstrating its impact on protein function have been reported. No clinical diagnostic laboratories have submitted clinical-significance assessments for this variant to ClinVar after 2014. Based on the evidence outlined above, the variant was classified as uncertain significance.

NM_002234.4(KCNA5):c.601C>T (p.Arg201Cys)

Gene: KCNA5 (potassium voltage-gated channel subfamily A member 5; plus strand). Cytogenetic location: 12p13.32.
Variant type: single nucleotide variant.
Coding change: c.601C>T on transcript NM_002234.4 (MANE Select); coding-DNA position 601, C replaced by T.
Protein change: p.Arg201Cys; replaces arginine 201 with cysteine.
Molecular consequence: missense variant.
Genome position (GRCh38, 1-based): chr12:5,044,748, C>T. VCF-style: chr12-5044748-C-T. GRCh37 (hg19) VCF-style: chr12-5153914-C-T.
Other names: c.601C>T (NM_002234.3); short protein forms R201C.
Identifiers: ClinVar variation 2506278 (VCV002506278.1), dbSNP rs764783669, ClinGen allele CA6399666.